The following is an entry in ClinVar:

ClinVar aggregate classification (germline): Pathogenic/Likely pathogenic. Review status: criteria provided, multiple submitters, no conflicts (2 of 4 stars). 4 submissions from 4 submitters: Pathogenic (1); Likely pathogenic (3). Last evaluated 2025-12-11.

Conditions:
Medulloblastoma (MDB). Also called: Medulloblastoma, somatic; MEDULLOBLASTOMA PREDISPOSITION SYNDROME. Identifiers: Orphanet 616, MedGen C0025149, MeSH D008527, MONDO:0007959, OMIM 155255, HP:0002885.
Familial dysautonomia. Also called: FD; HSAN III. Identifiers: Orphanet 1764, MedGen C0013364, MONDO:0009131, OMIM 223900. Disease mechanism: loss of function.

Allele frequency attached by ClinVar (database versions not stated): gnomAD exomes below 0.00001.
gnomAD v4.1: 4 of 1,613,936 alleles (0.00025%); highest among the groups gnomAD compares: Non-Finnish European, 0.00034%; no homozygotes.

Submissions (4):

Natera, Inc.
Classification: Likely pathogenic for Familial dysautonomia. Last evaluated: 2025-12-11. Review status: criteria provided, single submitter. Criteria: Natera Variant Classification Schema (03/2026). Collection method: clinical testing. Allele origin: germline.
Comment: The c.3790C>T variant in ELP1 is a nonsense variant predicted to introduce a stop codon at amino acid 1264. This variant is expected to result in nonsense mediated decay, truncation, or a dysfunctional protein product. This variant is rare in the general population with a frequency below the threshold expected for the associated phenotype(s). Given the available evidence, this variant is classified as Likely Pathogenic.

Labcorp Genetics (formerly Invitae), Labcorp
Classification: Pathogenic. Last evaluated: 2024-01-27. Review status: criteria provided, single submitter. Criteria: Invitae Variant Classification Sherloc (09022015). Collection method: clinical testing. Allele origin: germline.
Comment: This sequence change creates a premature translational stop signal (p.Gln1264*) in the ELP1 gene. It is expected to result in an absent or disrupted protein product. Loss-of-function variants in ELP1 are known to be pathogenic (PMID: 18303054, 24173031). This variant is not present in population databases (gnomAD no frequency). This variant has not been reported in the literature in individuals affected with ELP1-related conditions. ClinVar contains an entry for this variant (Variation ID: 943948). For these reasons, this variant has been classified as Pathogenic.

MGZ Medical Genetics Center
Classification: Likely pathogenic for Medulloblastoma. Last evaluated: 2022-07-28. Review status: criteria provided, single submitter. Criteria: ACMG Guidelines, 2015. Collection method: clinical testing. Allele origin: germline. Affected: yes. Observed: 1 variant allele.
Comment: ACMG criteria applied: PVS1, PM2_SUP

Fulgent Genetics
Classification: Likely pathogenic for Medulloblastoma; Familial dysautonomia. Last evaluated: 2022-03-11. Review status: criteria provided, single submitter. Criteria: ACMG Guidelines, 2015. Collection method: clinical testing. Allele origin: unknown.

Literature cited by the submitters: PubMed 18303054 (cited by Labcorp Genetics (formerly Invitae), Labcorp); PubMed 24173031 (cited by Labcorp Genetics (formerly Invitae), Labcorp).

NM_003640.5(ELP1):c.3790C>T (p.Gln1264Ter)

Gene: ELP1 (elongator acetyltransferase complex subunit 1; minus strand). Cytogenetic location: 9q31.3.
Variant type: single nucleotide variant.
Coding change: c.3790C>T on transcript NM_003640.5 (MANE Select); coding-DNA position 3790, C replaced by T.
Protein change: p.Gln1264Ter; replaces glutamine 1264 with a stop codon.
Molecular consequence: nonsense.
Genome position (GRCh38, 1-based): chr9:108,878,060, G>A on the plus strand (C>T on the coding strand, the complement: ELP1 is on the minus strand). VCF-style: chr9-108878060-G-A. GRCh37 (hg19) VCF-style: chr9-111640340-G-A.
Other names: c.3448C>T, p.Gln1150Ter (NM_001318360.2); c.2743C>T, p.Gln915Ter (NM_001330749.2); c.3790C>T (NM_003640.4); short protein forms Q1264*, Q1150*, Q915*.
Identifiers: ClinVar variation 943948 (VCV000943948.11), dbSNP rs1827767235, ClinGen allele CA374410662.